The following is an entry in ClinVar:

ClinVar aggregate classification (germline): Uncertain significance. Review status: criteria provided, single submitter (1 of 4 stars). 2 submissions from 1 submitter: Uncertain significance (1). 1 of the submissions does not count toward it. Last evaluated 2022-04-10.

Conditions:
Sitosterolemia (STSL). Also called: PHYTOSTEROLEMIA. Identifiers: Orphanet 2882, MedGen C0342907, MONDO:0008863.

Submissions (2):

Labcorp Genetics (formerly Invitae), Labcorp
Classification: Uncertain significance. Last evaluated: 2022-04-10. Review status: criteria provided, single submitter. Criteria: Invitae Variant Classification Sherloc (09022015). Collection method: clinical testing. Allele origin: germline.
Comment: A copy number gain of the genomic region encompassing the full coding sequence of the ABCG8 gene has been identified. The boundaries of this event are unknown as they extend beyond the assayed region for this gene and therefore may encompass additional genes. As the precise location of this event is unknown, it may be in tandem or it may be located elsewhere in the genome. This variant has not been reported in the literature in individuals affected with ABCG8-related conditions. In summary, the available evidence is currently insufficient to determine the role of this variant in disease. Therefore, it has been classified as a Variant of Uncertain Significance.

Labcorp Genetics (formerly Invitae), Labcorp
Classification: Uncertain significance for Sitosterolemia. Last evaluated: 2022-04-10. Review status: flagged submission. Criteria: Invitae Variant Classification Sherloc (09022015). Collection method: clinical testing. Allele origin: germline. Not counted in ClinVar's aggregate classification.
Comment: A copy number gain of the genomic region encompassing the full coding sequence of the ABCG5 gene has been identified. The boundaries of this event are unknown as they extend beyond the assayed region for this gene and therefore may encompass additional genes. As the precise location of this event is unknown, it may be in tandem or it may be located elsewhere in the genome. This variant has not been reported in the literature in individuals affected with ABCG5-related conditions. In summary, the available evidence is currently insufficient to determine the role of this variant in disease. Therefore, it has been classified as a Variant of Uncertain Significance.
ClinVar note: Reason: This record appears to be redundant with a more recent record from the same submitter.
ClinVar note: Notes: SCV003791899 appears to be redundant with SCV003791901.

NC_000002.11:g.(?_44001278)_(44209593_?)dup

Genes: ABCG5 (ATP binding cassette subfamily G member 5; minus strand), ABCG8 (ATP binding cassette subfamily G member 8; plus strand), DYNC2LI1 (dynein cytoplasmic 2 light intermediate chain 1; plus strand), LRPPRC (leucine rich pentatricopeptide repeat containing; minus strand). Cytogenetic location: 2p21.
Variant type: Duplication.
Identifiers: ClinVar variation 2426744 (VCV002426744.3).